The following is an entry in ClinVar:

NM_007294.4(BRCA1):c.5518G>T (p.Asp1840Tyr)

Gene: BRCA1 (BRCA1 DNA repair associated; minus strand). Cytogenetic location: 17q21.31.
Variant type: single nucleotide variant.
Coding change: c.5518G>T on transcript NM_007294.4 (MANE Select); coding-DNA position 5518, G replaced by T.
Protein change: p.Asp1840Tyr; replaces aspartic acid 1840 with tyrosine.
Molecular consequence: missense variant. On other transcripts: 3 prime UTR variant (1), non-coding transcript variant (1).
Genome position (GRCh38, 1-based): chr17:43,045,752, C>A on the plus strand (G>T on the coding strand, the complement: BRCA1 is on the minus strand). VCF-style: chr17-43045752-C-A. GRCh37 (hg19) VCF-style: chr17-41197769-C-A.
Other names: c.5305G>T, p.Asp1769Tyr (NM_001407571.1, NM_001407894.1, NM_001407895.1 and 12 more transcripts); c.5584G>T, p.Asp1862Tyr (NM_001407581.1, NM_001407582.1); c.5581G>T, p.Asp1861Tyr (NM_001407583.1, NM_001407585.1, NM_001407587.1 and 1 more transcripts); c.5578G>T, p.Asp1860Tyr (NM_001407590.1, NM_001407591.1); c.5518G>T, p.Asp1840Tyr (NM_001407593.1, NM_001407594.1, NM_001407596.1 and 5 more transcripts); c.5515G>T, p.Asp1839Tyr (NM_001407610.1, NM_001407611.1, NM_001407622.1 and 14 more transcripts); c.5512G>T, p.Asp1838Tyr (NM_001407627.1, NM_001407628.1, NM_001407629.1 and 13 more transcripts); c.5509G>T, p.Asp1837Tyr (NM_001407644.1, NM_001407645.1); and 74 more; short protein forms D1793Y, D1840Y, D736Y, D1861Y, D1750Y, D1772Y, D1791Y, D1797Y.
Identifiers: ClinVar variation 648216 (VCV000648216.12), dbSNP rs1567756588, ClinGen allele CA10590283.

ClinVar aggregate classification (germline): Uncertain significance. Review status: criteria provided, multiple submitters, no conflicts (2 of 4 stars). 3 submissions from 3 submitters: Uncertain significance (3). Last evaluated 2026-08-07.

Conditions:
Hereditary cancer-predisposing syndrome. Also called: Neoplastic Syndromes, Hereditary; Hereditary Cancer Syndrome; Hereditary neoplastic syndrome; Tumor predisposition. Identifiers: Orphanet 140162, MedGen C0027672, MeSH D009386, MONDO:0015356.
Hereditary breast ovarian cancer syndrome. Also called: Breast and ovarian cancer; Hereditary breast and ovarian cancer syndrome (HBOC); BRCA1- and BRCA2-Associated Hereditary Breast and Ovarian Cancer; Hereditary breast and ovarian cancer syndrome; Hereditary breast and ovarian cancer; Hereditary breast and/or ovarian cancer syndrome. Identifiers: Orphanet 145, MedGen C0677776, MeSH D061325, MONDO:0003582. Disease mechanism: loss of function.

Submissions (3):

Ambry Genetics
Classification: Uncertain significance for Hereditary cancer-predisposing syndrome. Last evaluated: 2026-08-07. Review status: criteria provided, single submitter. Criteria: Ambry Variant Classification Scheme 2023. Collection method: clinical testing. Allele origin: germline.
Comment: The p.D1840Y variant (also known as c.5518G>T), located in coding exon 22 of the BRCA1 gene, results from a G to T substitution at nucleotide position 5518. The aspartic acid at codon 1840 is replaced by tyrosine, an amino acid with highly dissimilar properties. This amino acid position is highly conserved in available vertebrate species. In addition, this alteration is predicted to be deleterious by in silico analysis. Based on the available evidence, the clinical significance of this variant remains unclear.

Center for Genomic Medicine, Rigshospitalet, Copenhagen University Hospital
Classification: Uncertain significance. Last evaluated: 2025-03-04. Review status: criteria provided, single submitter. Criteria: ACMG Guidelines, 2015. Collection method: clinical testing. Allele origin: germline.

Labcorp Genetics (formerly Invitae), Labcorp
Classification: Uncertain significance for Hereditary breast ovarian cancer syndrome. Last evaluated: 2018-07-11. Review status: criteria provided, single submitter. Criteria: Invitae Variant Classification Sherloc (09022015). Collection method: clinical testing. Allele origin: germline.
Comment: This variant has not been reported in the literature in individuals with BRCA1-related disease. This variant is not present in population databases (ExAC no frequency). This sequence change replaces aspartic acid with tyrosine at codon 1840 of the BRCA1 protein (p.Asp1840Tyr). The aspartic acid residue is highly conserved and there is a large physicochemical difference between aspartic acid and tyrosine. Algorithms developed to predict the effect of missense changes on protein structure and function (SIFT, PolyPhen-2, Align-GVGD) all suggest that this variant is likely to be disruptive, but these predictions have not been confirmed by published functional studies and their clinical significance is uncertain. In summary, the available evidence is currently insufficient to determine the role of this variant in disease. Therefore, it has been classified as a Variant of Uncertain Significance.